The following is an entry in ClinVar:

NM_198503.5(KCNT2):c.1909G>T (p.Asp637Tyr)

Gene: KCNT2 (potassium sodium-activated channel subfamily T member 2; minus strand). Cytogenetic location: 1q31.3.
Variant type: single nucleotide variant.
Coding change: c.1909G>T on transcript NM_198503.5 (MANE Select); coding-DNA position 1909, G replaced by T.
Protein change: p.Asp637Tyr; replaces aspartic acid 637 with tyrosine.
Molecular consequence: missense variant. On other transcripts: non-coding transcript variant (2).
Genome position (GRCh38, 1-based): chr1:196,333,935, C>A on the plus strand (G>T on the coding strand, the complement: KCNT2 is on the minus strand). VCF-style: chr1-196333935-C-A. GRCh37 (hg19) VCF-style: chr1-196303065-C-A.
Other names: c.1909G>T, p.Asp637Tyr (NM_001287819.3); c.1759G>T, p.Asp587Tyr (NM_001287820.3); short protein forms D587Y, D637Y.
Identifiers: ClinVar variation 3900060 (VCV003900060.1).

ClinVar aggregate classification (germline): Uncertain significance (1 of 4 stars; one submission).

Submission:

GeneDx
Classification: Uncertain significance. Last evaluated: 2024-11-22. Review status: criteria provided, single submitter. Criteria: GeneDx Variant Classification Process June 2021. Collection method: clinical testing. Allele origin: germline. Affected: yes.
Comment: Not observed at significant frequency in large population cohorts (gnomAD); In silico analysis supports that this missense variant has a deleterious effect on protein structure/function; Has not been previously published as pathogenic or benign to our knowledge